The following is an entry in ClinVar:

NM_000959.4(PTGFR):c.1012A>G (p.Ile338Val)

Gene: PTGFR (prostaglandin F receptor; plus strand). Cytogenetic location: 1p31.1.
Variant type: single nucleotide variant.
Coding change: c.1012A>G on transcript NM_000959.4 (MANE Select); coding-DNA position 1012, A replaced by G.
Protein change: p.Ile338Val; replaces isoleucine 338 with valine.
Molecular consequence: missense variant. On other transcripts: 3 prime UTR variant (1).
Genome position (GRCh38, 1-based): chr1:78,536,619, A>G. VCF-style: chr1-78536619-A-G. GRCh37 (hg19) VCF-style: chr1-79002304-A-G.
Other names: c.*189A>G (NM_001039585.2); short protein forms I338V.
Identifiers: ClinVar variation 2638894 (VCV002638894.24), dbSNP rs140723645, ClinGen allele CA920413.

ClinVar aggregate classification (germline): Likely benign (1 of 4 stars; one submission).

Allele frequency attached by ClinVar (database versions not stated): gnomAD exomes 0.00505; TOPMed 0.00317; gnomAD 0.00327; ExAC 0.00377; ESP Exome Variant Server 0.00408.
gnomAD v4.1: 7,784 of 1,613,254 alleles (0.48%); highest among the groups gnomAD compares: Non-Finnish European, 0.62%; 31 homozygotes.

Submission:

CeGaT Center for Human Genetics Tuebingen
Classification: Likely benign. Last evaluated: 2023-07-01. Review status: criteria provided, single submitter. Criteria: CeGaT Center For Human Genetics Tuebingen Variant Classification Criteria Version 2. Collection method: clinical testing. Allele origin: germline. Affected: yes. Observed: 1 variant allele.
Comment: PTGFR: BP4, BS2